The following is an entry in ClinVar:

ClinVar aggregate classification (germline): Likely benign. Review status: criteria provided, multiple submitters, no conflicts (2 of 4 stars). 3 submissions from 3 submitters: Likely benign (2). 1 of the submissions does not count toward it. Last evaluated 2026-08-01.

Conditions:
IRF2BPL-related disorder. Also called: IRF2BPL-related condition. Identifiers: MedGen CN381093.
Inborn genetic diseases. Identifiers: MedGen C0950123, MeSH D030342.

Allele frequency attached by ClinVar (database versions not stated): gnomAD 0.00004; TOPMed 0.00025; 1000 Genomes Project 30x 0.00031; ExAC 0.00205.

Submissions (3):

CeGaT Center for Human Genetics Tuebingen
Classification: Likely benign. Last evaluated: 2026-08-01. Review status: criteria provided, single submitter. Criteria: CeGaT Center For Human Genetics Tuebingen Variant Classification Criteria Version 2. Collection method: clinical testing. Allele origin: germline. Affected: yes. Observed: 1 variant allele.
Comment: IRF2BPL: BS1

Ambry Genetics
Classification: Likely benign for Inborn genetic diseases. Last evaluated: 2024-01-29. Review status: criteria provided, single submitter. Criteria: Ambry Variant Classification Scheme 2023. Collection method: clinical testing. Allele origin: germline.

PreventionGenetics, part of Exact Sciences
Classification: Benign for IRF2BPL-related condition. Last evaluated: 2019-08-13. Review status: no assertion criteria provided. Collection method: clinical testing. Allele origin: germline. Not counted in ClinVar's aggregate classification.
Comment: This variant is classified as benign based on ACMG/AMP sequence variant interpretation guidelines (Richards et al. 2015 PMID: 25741868, with internal and published modifications).

NM_024496.4(IRF2BPL):c.226G>A (p.Val76Ile)

Genes: IRF2BPL (interferon regulatory factor 2 binding protein like; minus strand), LOC107984638 (uncharacterized LOC107984638; plus strand). Cytogenetic location: 14q24.3.
Variant type: single nucleotide variant.
Coding change: c.226G>A on transcript NM_024496.4 (MANE Select); coding-DNA position 226, G replaced by A.
Protein change: p.Val76Ile; replaces valine 76 with isoleucine.
Molecular consequence: missense variant.
Genome position (GRCh38, 1-based): chr14:77,027,567, C>T on the plus strand (G>A on the coding strand, the complement: IRF2BPL is on the minus strand). VCF-style: chr14-77027567-C-T. GRCh37 (hg19) VCF-style: chr14-77493910-C-T.
Other names: c.226G>A (NM_024496.2); short protein forms V76I.
Identifiers: ClinVar variation 3053674 (VCV003053674.4), dbSNP rs771202900, ClinGen allele CA7284073.